The following is an entry in ClinVar:

NM_032578.4(MYPN):c.1426G>A (p.Glu476Lys)

Gene: MYPN (myopalladin; plus strand). Cytogenetic location: 10q21.3.
Variant type: single nucleotide variant.
Coding change: c.1426G>A on transcript NM_032578.4 (MANE Select); coding-DNA position 1426, G replaced by A.
Protein change: p.Glu476Lys; replaces glutamic acid 476 with lysine.
Molecular consequence: missense variant. On other transcripts: non-coding transcript variant (2).
Genome position (GRCh38, 1-based): chr10:68,158,594, G>A. VCF-style: chr10-68158594-G-A. GRCh37 (hg19) VCF-style: chr10-69918351-G-A.
Other names: c.1426G>A, p.Glu476Lys (NM_001256267.2); c.544G>A, p.Glu182Lys (NM_001256268.2); short protein forms E182K, E476K.
Identifiers: ClinVar variation 1500173 (VCV001500173.6), dbSNP rs2134137320, ClinGen allele CA376834886.

ClinVar aggregate classification (germline): Uncertain significance (1 of 4 stars; one submission).

Conditions:
Dilated cardiomyopathy 1KK (CMD1KK). Identifiers: Orphanet 154, Orphanet 75249, MedGen C3714995, MONDO:0014100, OMIM 615248.

Submission:

Labcorp Genetics (formerly Invitae), Labcorp
Classification: Uncertain significance for Dilated cardiomyopathy 1KK. Last evaluated: 2022-02-22. Review status: criteria provided, single submitter. Criteria: Invitae Variant Classification Sherloc (09022015). Collection method: clinical testing. Allele origin: germline.
Comment: This sequence change replaces glutamic acid, which is acidic and polar, with lysine, which is basic and polar, at codon 476 of the MYPN protein (p.Glu476Lys). This variant is not present in population databases (gnomAD no frequency). This variant has not been reported in the literature in individuals affected with MYPN-related conditions. Algorithms developed to predict the effect of missense changes on protein structure and function are either unavailable or do not agree on the potential impact of this missense change (SIFT: "Deleterious"; PolyPhen-2: "Benign"; Align-GVGD: "Class C0"). In summary, the available evidence is currently insufficient to determine the role of this variant in disease. Therefore, it has been classified as a Variant of Uncertain Significance.